The following is an entry in ClinVar:

NM_004380.3(CREBBP):c.2557C>A (p.Leu853Met)

Gene: CREBBP (CREB binding lysine acetyltransferase; minus strand). Cytogenetic location: 16p13.3.
Variant type: single nucleotide variant.
Coding change: c.2557C>A on transcript NM_004380.3 (MANE Select); coding-DNA position 2557, C replaced by A.
Protein change: p.Leu853Met; replaces leucine 853 with methionine.
Molecular consequence: missense variant.
Genome position (GRCh38, 1-based): chr16:3,770,893, G>T on the plus strand (C>A on the coding strand, the complement: CREBBP is on the minus strand). VCF-style: chr16-3770893-G-T. GRCh37 (hg19) VCF-style: chr16-3820894-G-T.
Other names: c.2443C>A, p.Leu815Met (NM_001079846.1); short protein forms L815M, L853M.
Identifiers: ClinVar variation 930966 (VCV000930966.15), dbSNP rs542970560, ClinGen allele CA394551680.
Genomic context (GRCh38, chr16:3,770,893, plus strand): 5'-TCGTGTGCTGGAGAGATGGCATGCCAGCAGCCGTGGAAGCAGGAGGCGGTGTTGGGTGCA[G>T]TGGTGACTGTGTCACTGGAGGGCAAGGTAGCTGGCTGGCCTGAGGCCCCAGCATGTTGAG-3'
Protein context (NP_004371.2, residues 843-863): LPCPPVTQSP[Leu853Met]HPTPPPASTA

ClinVar aggregate classification (germline): Conflicting classifications of pathogenicity. Review status: criteria provided, conflicting classifications (1 of 4 stars). 4 submissions from 4 submitters: Uncertain significance (3); Likely benign (1). Last evaluated 2025-12-13.

Conditions:
CREBBP-related disorder. Also called: CREBBP-related condition; CREBBP-related disorders.
Rubinstein-Taybi syndrome (RSTS). Identifiers: Orphanet 783, MedGen C0035934, MONDO:0019188.
Rubinstein-Taybi syndrome due to CREBBP mutations (RSTS1). Also called: CREBBP-Related Rubinstein-Taybi Syndrome; BROAD THUMBS AND GREAT TOES, CHARACTERISTIC FACIES, AND IMPAIRED INTELLECTUAL DEVELOPMENT; RUBINSTEIN-TAYBI SYNDROME 1, INCOMPLETE; Rubinstein-Taybi syndrome 1; BROAD THUMB-HALLUX SYNDROME; RUBINSTEIN SYNDROME. Identifiers: Orphanet 353277, Orphanet 783, MedGen C4551859, MONDO:0008393, OMIM 180849.

Allele frequency attached by ClinVar (database versions not stated): gnomAD exomes below 0.00001; TOPMed below 0.00001; gnomAD 0.00001.
gnomAD v4.1: 4 of 1,613,764 alleles (0.00025%); highest among the groups gnomAD compares: Middle Eastern, 0.016%; no homozygotes.

Submissions (4):

Labcorp Genetics (formerly Invitae), Labcorp
Classification: Likely benign for Rubinstein-Taybi syndrome. Last evaluated: 2025-12-13. Review status: criteria provided, single submitter. Criteria: Invitae Variant Classification Sherloc (09022015). Collection method: clinical testing. Allele origin: germline.

CeGaT Center for Human Genetics Tuebingen
Classification: Uncertain significance. Last evaluated: 2025-09-01. Review status: criteria provided, single submitter. Criteria: CeGaT Center For Human Genetics Tuebingen Variant Classification Criteria Version 2. Collection method: clinical testing. Allele origin: germline. Affected: yes. Observed: 1 variant allele.
Comment: CREBBP: PP2

PreventionGenetics, part of Exact Sciences
Classification: Uncertain significance for CREBBP-related condition. Last evaluated: 2025-01-13. Review status: criteria provided, single submitter. Criteria: ACMG Guidelines, 2015. Collection method: clinical testing. Allele origin: germline.
Comment: The CREBBP c.2557C>A variant is predicted to result in the amino acid substitution p.Leu853Met. To our knowledge, this variant has not been reported in the literature. This variant is reported in 0.00088% of alleles in individuals of European (Non-Finnish) descent in gnomAD. At this time, the clinical significance of this variant is uncertain due to the absence of conclusive functional and genetic evidence.

Centre for Mendelian Genomics, University Medical Centre Ljubljana
Classification: Uncertain significance for Rubinstein-Taybi syndrome due to CREBBP mutations. Last evaluated: 2020-03-17. Review status: criteria provided, single submitter. Criteria: ACMG Guidelines, 2015. Collection method: clinical testing. Allele origin: unknown. Affected: yes.
Comment: This variant was classified as: Uncertain significance. The following ACMG criteria were applied in classifying this variant: PM2,PP2,BP4.